The following is an entry in ClinVar:

ClinVar aggregate classification (germline): Uncertain significance (1 of 4 stars; one submission).

Conditions:
POLD1-related polyposis and colorectal cancer syndrome (CRCS10). Also called: Colorectal cancer 10; Colorectal cancer, susceptibility to, 10; COLORECTAL CANCER, SUSCEPTIBILITY TO, ON CHROMOSOME 19q. Identifiers: Orphanet 220460, MedGen C2675481, MONDO:0012953, OMIM 612591.

Submission:

Labcorp Genetics (formerly Invitae), Labcorp
Classification: Uncertain significance for POLD1-related polyposis and colorectal cancer syndrome. Last evaluated: 2023-11-17. Review status: criteria provided, single submitter. Criteria: Invitae Variant Classification Sherloc (09022015). Collection method: clinical testing. Allele origin: germline.
Comment: This sequence change replaces proline, which is neutral and non-polar, with arginine, which is basic and polar, at codon 1077 of the POLD1 protein (p.Pro1077Arg). This variant is not present in population databases (gnomAD no frequency). This variant has not been reported in the literature in individuals affected with POLD1-related conditions. Advanced modeling of protein sequence and biophysical properties (such as structural, functional, and spatial information, amino acid conservation, physicochemical variation, residue mobility, and thermodynamic stability) performed at Invitae indicates that this missense variant is expected to disrupt POLD1 protein function with a positive predictive value of 80%. In summary, the available evidence is currently insufficient to determine the role of this variant in disease. Therefore, it has been classified as a Variant of Uncertain Significance.

NM_002691.4(POLD1):c.3230C>G (p.Pro1077Arg)

Gene: POLD1 (DNA polymerase delta 1, catalytic subunit; plus strand). Cytogenetic location: 19q13.33.
Variant type: single nucleotide variant.
Coding change: c.3230C>G on transcript NM_002691.4 (MANE Select); coding-DNA position 3230, C replaced by G.
Protein change: p.Pro1077Arg; replaces proline 1077 with arginine.
Molecular consequence: missense variant. On other transcripts: non-coding transcript variant (1).
Genome position (GRCh38, 1-based): chr19:50,417,853, C>G. VCF-style: chr19-50417853-C-G. GRCh37 (hg19) VCF-style: chr19-50921110-C-G.
Other names: c.3230C>G, p.Pro1077Arg (NM_001256849.1); c.3308C>G, p.Pro1103Arg (NM_001308632.1); short protein forms P1103R, P1077R.
Identifiers: ClinVar variation 2772016 (VCV002772016.3), dbSNP rs2122521266, ClinGen allele CA406987699.
Genomic context (GRCh38, chr19:50,417,853, plus strand): 5'-GGCACTGGGCCTTGGCTGGTCCTGACCCTGCCCCTGCCCCCACCCGCAGCCGGGACTGCC[C>G]CATCTTCTACATGCGCAAGAAGGTGCGGAAGGACCTGGAAGACCAGGAGCAGCTCCTGCG-3'
Protein context (NP_002682.2, residues 1067-1087): EDVICTSRDC[Pro1077Arg]IFYMRKKVRK